The following is an entry in ClinVar:

ClinVar aggregate classification (germline): Likely pathogenic. Review status: criteria provided, multiple submitters, no conflicts (2 of 4 stars). 2 submissions from 2 submitters: Likely pathogenic (2). Last evaluated 2025-08-04.

Conditions:
Crigler-Najjar syndrome type 1. Also called: HYPERBILIRUBINEMIA, CRIGLER-NAJJAR TYPE I. Identifiers: Orphanet 79234, MedGen C0010324, MONDO:0021020, OMIM 218800.
Gilbert syndrome. Also called: HYPERBILIRUBINEMIA I; HYPERBILIRUBINEMIA, ARIAS TYPE; Gilbert Disease; Gilbert's syndrome; HYPERBILIRUBINEMIA, GILBERT TYPE. Identifiers: MedGen C0017551, MONDO:0007745, OMIM 143500.
Lucey-Driscoll syndrome (HBLRTFN). Also called: Transient familial neonatal hyperbilirubinemia. Identifiers: Orphanet 2312, MedGen C0270210, MONDO:0009383, OMIM 237900.
Crigler-Najjar syndrome, type II. Also called: HYPERBILIRUBINEMIA, CRIGLER-NAJJAR TYPE II; Crigler Najjar syndrome, type 2; Mutation in the UDP-glucuronosyl-transferase gene. Identifiers: Orphanet 205, Orphanet 79235, MedGen C2931132, MONDO:0011725, OMIM 606785.
BILIRUBIN, SERUM LEVEL OF, QUANTITATIVE TRAIT LOCUS 1 (BILIQTL1). Identifiers: MedGen C1866173, OMIM 601816.

gnomAD v4.1: 2 of 1,614,084 alleles (0.00012%); highest among the groups gnomAD compares: South Asian, 0.0022%; no homozygotes.

Submissions (2):

First Genomix Gene Laboratory, Genetic Diagnostics Department
Classification: Likely pathogenic for Gilbert syndrome; Crigler-Najjar syndrome type 1; Crigler-Najjar syndrome, type II; Lucey-Driscoll syndrome. Last evaluated: 2025-08-04. Review status: criteria provided, single submitter. Criteria: ACMG Guidelines, 2015. Collection method: clinical testing. Allele origin: germline. Inheritance: Autosomal recessive inheritance. Affected: no. Observed: 1 variant allele.

Fulgent Genetics
Classification: Likely pathogenic for Gilbert syndrome; Crigler-Najjar syndrome type 1; Lucey-Driscoll syndrome; BILIRUBIN, SERUM LEVEL OF, QUANTITATIVE TRAIT LOCUS 1; Crigler-Najjar syndrome, type II. Last evaluated: 2024-01-26. Review status: criteria provided, single submitter. Criteria: ACMG Guidelines, 2015. Collection method: clinical testing. Allele origin: germline.

NM_000463.3(UGT1A1):c.864+1G>A

Genes: UGT1A10 (UDP glucuronosyltransferase family 1 member A10; plus strand), UGT1A (UDP glucuronosyltransferase family 1 member A complex locus; plus strand), UGT1A1 (UDP glucuronosyltransferase family 1 member A1; plus strand), UGT1A3 (UDP glucuronosyltransferase family 1 member A3; plus strand), UGT1A4 (UDP glucuronosyltransferase family 1 member A4; plus strand) and 5 more. Cytogenetic location: 2q37.1.
Variant type: single nucleotide variant.
Coding change: c.864+1G>A on transcript NM_000463.3 (MANE Select); the canonical splice donor site of the intron after coding-DNA position 864, G replaced by A.
Molecular consequence: splice donor variant. On other transcripts: intron variant (9).
Genome position (GRCh38, 1-based): chr2:233,761,152, G>A. VCF-style: chr2-233761152-G-A. GRCh37 (hg19) VCF-style: chr2-234669798-G-A.
Other names: c.856-5882G>A (NM_019076.5, NM_019075.4, NM_021027.3 and 1 more transcripts); c.61-5882G>A (NM_205862.3); c.862-5882G>A (NM_001072.4); c.868-5882G>A (NM_019078.2, NM_007120.3, NM_019093.4).
Identifiers: ClinVar variation 3586188 (VCV003586188.2).